The following is an entry in ClinVar:

NM_005051.3(QARS1):c.2152G>C (p.Ala718Pro)

Gene: QARS1 (glutaminyl-tRNA synthetase 1; minus strand). Cytogenetic location: 3p21.31.
Variant type: single nucleotide variant.
Coding change: c.2152G>C on transcript NM_005051.3 (MANE Select); coding-DNA position 2152, G replaced by C.
Protein change: p.Ala718Pro; replaces alanine 718 with proline.
Molecular consequence: missense variant. On other transcripts: non-coding transcript variant (1).
Genome position (GRCh38, 1-based): chr3:49,098,117, C>G on the plus strand (G>C on the coding strand, the complement: QARS1 is on the minus strand). VCF-style: chr3-49098117-C-G. GRCh37 (hg19) VCF-style: chr3-49135550-C-G.
Other names: c.2119G>C, p.Ala707Pro (NM_001272073.2); short protein forms A718P, A707P.
Identifiers: ClinVar variation 864179 (VCV000864179.1), dbSNP rs2042415174, ClinGen allele CA352697711.

ClinVar aggregate classification (germline): Uncertain significance (1 of 4 stars; one submission).

Conditions:
Diffuse cerebral and cerebellar atrophy - intractable seizures - progressive microcephaly syndrome. Also called: Microcephaly, progressive, with seizures and cerebral and cerebellar atrophy. Identifiers: Orphanet 404437, MedGen C4014239, MONDO:0014335, OMIM 615760.

Submission:

Labcorp Genetics (formerly Invitae), Labcorp
Classification: Uncertain significance for Diffuse cerebral and cerebellar atrophy - intractable seizures - progressive microcephaly syndrome. Last evaluated: 2019-03-17. Review status: criteria provided, single submitter. Criteria: Invitae Variant Classification Sherloc (09022015). Collection method: clinical testing. Allele origin: germline.
Comment: This sequence change replaces alanine with proline at codon 718 of the QARS protein (p.Ala718Pro). The alanine residue is weakly conserved and there is a small physicochemical difference between alanine and proline. This variant is not present in population databases (ExAC no frequency). This variant has not been reported in the literature in individuals with QARS-related conditions. Algorithms developed to predict the effect of missense changes on protein structure and function (SIFT, PolyPhen-2, Align-GVGD) all suggest that this variant is likely to be tolerated, but these predictions have not been confirmed by published functional studies and their clinical significance is uncertain. Algorithms developed to predict the effect of sequence changes on RNA splicing suggest that this variant may disrupt the consensus splice site, but this prediction has not been confirmed by published transcriptional studies. In summary, the available evidence is currently insufficient to determine the role of this variant in disease. Therefore, it has been classified as a Variant of Uncertain Significance.